The following is an entry in ClinVar:

NM_198859.4(PRICKLE2):c.-370G>A

Gene: PRICKLE2 (prickle planar cell polarity protein 2; minus strand). Cytogenetic location: 3p14.1.
Variant type: single nucleotide variant.
Coding change: c.-370G>A on transcript NM_198859.4 (MANE Select); 370 bases upstream of the start codon, G replaced by A.
Molecular consequence: 5 prime UTR variant. On other transcripts: intron variant (1).
Genome position (GRCh38, 1-based): chr3:64,225,239, C>T on the plus strand (G>A on the coding strand, the complement: PRICKLE2 is on the minus strand). VCF-style: chr3-64225239-C-T. GRCh37 (hg19) VCF-style: chr3-64210915-C-T.
Other names: c.-40-26272G>A (NM_001370528.1).
Identifiers: ClinVar variation 346487 (VCV000346487.29), dbSNP rs139238137, ClinGen allele CA10619388.

ClinVar aggregate classification (germline): Conflicting classifications of pathogenicity. Review status: criteria provided, conflicting classifications (1 of 4 stars). 2 submissions from 2 submitters: Uncertain significance (1); Likely benign (1). Last evaluated 2022-11-01.

Conditions:
Progressive myoclonic epilepsy. Also called: Myoclonus epilepsy; Progressive myoclonus epilepsy; Familial progressive myoclonic epilepsy; Myoclonic Epilepsies, Progressive. Identifiers: Orphanet 308, Orphanet 98261, MedGen C0751778, MONDO:0020074.

Allele frequency attached by ClinVar (database versions not stated): 1000 Genomes Project 30x 0.00125; 1000 Genomes Project 0.00140; gnomAD exomes 0.00269; TOPMed 0.00297; gnomAD 0.00349 and 0.00356.
gnomAD v4.1: 2,752 of 985,462 alleles (0.28%); highest among the groups gnomAD compares: Non-Finnish European, 0.31%; 10 homozygotes.

Submissions (2):

CeGaT Center for Human Genetics Tuebingen
Classification: Likely benign. Last evaluated: 2022-11-01. Review status: criteria provided, single submitter. Criteria: CeGaT Center For Human Genetics Tuebingen Variant Classification Criteria Version 2. Collection method: clinical testing. Allele origin: germline. Affected: yes. Observed: 1 variant allele.
Comment: PRICKLE2: BS2

Illumina Laboratory Services, Illumina
Classification: Uncertain significance for Progressive myoclonic epilepsy. Last evaluated: 2018-01-13. Review status: criteria provided, single submitter. Criteria: ICSL Variant Classification Criteria 13 December 2019. Collection method: clinical testing. Allele origin: germline.